The following is an entry in ClinVar:

NM_152564.5(VPS13B):c.9745A>G (p.Ile3249Val)

Gene: VPS13B (vacuolar protein sorting 13 homolog B; plus strand). Cytogenetic location: 8q22.2.
Variant type: single nucleotide variant.
Coding change: c.9745A>G on transcript NM_152564.5 (MANE Select); coding-DNA position 9745, A replaced by G.
Protein change: p.Ile3249Val; replaces isoleucine 3249 with valine.
Molecular consequence: missense variant.
Genome position (GRCh38, 1-based): chr8:99,835,541, A>G. VCF-style: chr8-99835541-A-G. GRCh37 (hg19) VCF-style: chr8-100847769-A-G.
Other names: c.9745A>G (NM_152564.4); c.9820A>G, p.Ile3274Val (NM_017890.5); short protein forms I3249V, I3274V.
Identifiers: ClinVar variation 1011456 (VCV001011456.7), dbSNP rs1314210823, ClinGen allele CA371783525.

ClinVar aggregate classification (germline): Uncertain significance. Review status: criteria provided, single submitter (1 of 4 stars). 2 submissions from 2 submitters: Uncertain significance (1). 1 of the submissions does not count toward it. Last evaluated 2022-10-07.

Conditions:
Cohen syndrome (COH1). Also called: PEPPER SYNDROME; Cutis verticis gyrata, retinitis pigmentosa, and sensorineural deafness. Identifiers: Orphanet 193, MedGen C0265223, MONDO:0008999, OMIM 216550.
VPS13B-related disorder. Also called: VPS13B-related condition.

Allele frequency attached by ClinVar (database versions not stated): gnomAD exomes below 0.00001; TOPMed 0.00002; gnomAD 0.00003 and 0.00004.
gnomAD v4.1: 10 of 1,613,954 alleles (0.00062%); highest among the groups gnomAD compares: African/African-American, 0.012%; no homozygotes.

Submissions (2):

Labcorp Genetics (formerly Invitae), Labcorp
Classification: Uncertain significance for Cohen syndrome. Last evaluated: 2022-10-07. Review status: criteria provided, single submitter. Criteria: Invitae Variant Classification Sherloc (09022015). Collection method: clinical testing. Allele origin: germline.
Comment: This sequence change replaces isoleucine, which is neutral and non-polar, with valine, which is neutral and non-polar, at codon 3274 of the VPS13B protein (p.Ile3274Val). This variant is present in population databases (no rsID available, gnomAD 0.008%). This variant has not been reported in the literature in individuals affected with VPS13B-related conditions. ClinVar contains an entry for this variant (Variation ID: 1011456). Algorithms developed to predict the effect of missense changes on protein structure and function are either unavailable or do not agree on the potential impact of this missense change (SIFT: "Not Available"; PolyPhen-2: "Benign"; Align-GVGD: "Not Available"). In summary, the available evidence is currently insufficient to determine the role of this variant in disease. Therefore, it has been classified as a Variant of Uncertain Significance.

PreventionGenetics, part of Exact Sciences
Classification: Uncertain significance for VPS13B-related condition. Last evaluated: 2024-01-31. Review status: no assertion criteria provided. Collection method: clinical testing. Allele origin: germline. Not counted in ClinVar's aggregate classification.
Comment: The VPS13B c.9745A>G variant is predicted to result in the amino acid substitution p.Ile3249Val. To our knowledge, this variant has not been reported in the literature. This variant is reported in 0.0081% of alleles in individuals of African descent in gnomAD. At this time, the clinical significance of this variant is uncertain due to the absence of conclusive functional and genetic evidence.